The following is an entry in ClinVar:

NM_005918.4(MDH2):c.286G>A (p.Val96Ile)

Gene: MDH2 (malate dehydrogenase 2; plus strand). Cytogenetic location: 7q11.23.
Variant type: single nucleotide variant.
Coding change: c.286G>A on transcript NM_005918.4 (MANE Select); coding-DNA position 286, G replaced by A.
Protein change: p.Val96Ile; replaces valine 96 with isoleucine.
Molecular consequence: missense variant. On other transcripts: 5 prime UTR variant (1).
Genome position (GRCh38, 1-based): chr7:76,057,460, G>A. VCF-style: chr7-76057460-G-A. GRCh37 (hg19) VCF-style: chr7-75686778-G-A.
Other names: c.286G>A, p.Val96Ile (NM_001282403.2); c.-36G>A (NM_001282404.2); short protein forms V96I.
Identifiers: ClinVar variation 3684878 (VCV003684878.2).

ClinVar aggregate classification (germline): Uncertain significance (1 of 4 stars; one submission).

Submission:

Labcorp Genetics (formerly Invitae), Labcorp
Classification: Uncertain significance. Last evaluated: 2024-05-21. Review status: criteria provided, single submitter. Criteria: Invitae Variant Classification Sherloc (09022015). Collection method: clinical testing. Allele origin: germline.
Comment: This sequence change replaces valine, which is neutral and non-polar, with isoleucine, which is neutral and non-polar, at codon 96 of the MDH2 protein (p.Val96Ile). This variant is not present in population databases (gnomAD no frequency). This variant has not been reported in the literature in individuals affected with MDH2-related conditions. Advanced modeling of protein sequence and biophysical properties (such as structural, functional, and spatial information, amino acid conservation, physicochemical variation, residue mobility, and thermodynamic stability) performed at Invitae indicates that this missense variant is not expected to disrupt MDH2 protein function with a negative predictive value of 80%. In summary, the available evidence is currently insufficient to determine the role of this variant in disease. Therefore, it has been classified as a Variant of Uncertain Significance.